The following is an entry in ClinVar:

ClinVar aggregate classification (germline): Uncertain significance (1 of 4 stars; one submission).

Submission:

Ambry Genetics
Classification: Uncertain significance. Last evaluated: 2023-04-03. Review status: criteria provided, single submitter. Criteria: Ambry Variant Classification Scheme 2023. Collection method: clinical testing. Allele origin: germline.
Comment: The p.V11I variant (also known as c.31G>A), located in coding exon 1 of the NPAT gene, results from a G to A substitution at nucleotide position 31. The valine at codon 11 is replaced by isoleucine, an amino acid with highly similar properties. This amino acid position is conserved. In addition, this alteration is predicted to be tolerated by in silico analysis. Since supporting evidence is limited at this time, the clinical significance of this alteration remains unclear.

NM_002519.3(NPAT):c.31G>A (p.Val11Ile)

Gene: NPAT (nuclear protein, coactivator of histone transcription; minus strand). Cytogenetic location: 11q22.3.
Variant type: single nucleotide variant.
Coding change: c.31G>A on transcript NM_002519.3 (MANE Select); coding-DNA position 31, G replaced by A.
Protein change: p.Val11Ile; replaces valine 11 with isoleucine.
Molecular consequence: missense variant.
Genome position (GRCh38, 1-based): chr11:108,222,506, C>T on the plus strand (G>A on the coding strand, the complement: NPAT is on the minus strand). VCF-style: chr11-108222506-C-T. GRCh37 (hg19) VCF-style: chr11-108093233-C-T.
Other names: c.31G>A, p.Val11Ile (NM_001321307.1); short protein forms V11I.
Identifiers: ClinVar variation 2567964 (VCV002567964.2), dbSNP rs2496809946, ClinGen allele CA382517063.